The following is an entry in ClinVar:

NM_001170535.3(ATAD3A):c.905A>G (p.Gln302Arg)

Gene: ATAD3A (ATPase family AAA domain containing 3A; plus strand). Cytogenetic location: 1p36.33.
Variant type: single nucleotide variant.
Coding change: c.905A>G on transcript NM_001170535.3 (MANE Select); coding-DNA position 905, A replaced by G.
Protein change: p.Gln302Arg; replaces glutamine 302 with arginine.
Molecular consequence: missense variant.
Genome position (GRCh38, 1-based): chr1:1,522,898, A>G. VCF-style: chr1-1522898-A-G. GRCh37 (hg19) VCF-style: chr1-1458278-A-G.
Other names: c.668A>G, p.Gln223Arg (NM_001170536.3); c.1049A>G, p.Gln350Arg (NM_018188.5); short protein forms Q223R, Q302R, Q350R.
Identifiers: ClinVar variation 3774766 (VCV003774766.1).

ClinVar aggregate classification (germline): Uncertain significance (1 of 4 stars; one submission).

Submission:

GeneDx
Classification: Uncertain significance. Last evaluated: 2024-09-27. Review status: criteria provided, single submitter. Criteria: GeneDx Variant Classification Process June 2021. Collection method: clinical testing. Allele origin: germline. Affected: yes.
Comment: In silico analysis supports a deleterious effect on splicing; In silico analysis indicates that this missense variant does not alter protein structure/function; Has not been previously published as pathogenic or benign to our knowledge